The following is an entry in ClinVar:

NM_025150.5(TARS2):c.1298T>G (p.Phe433Cys)

Gene: TARS2 (threonyl-tRNA synthetase 2, mitochondrial; plus strand). Cytogenetic location: 1q21.2.
Variant type: single nucleotide variant.
Coding change: c.1298T>G on transcript NM_025150.5 (MANE Select); coding-DNA position 1298, T replaced by G.
Protein change: p.Phe433Cys; replaces phenylalanine 433 with cysteine.
Molecular consequence: missense variant. On other transcripts: non-coding transcript variant (2).
Genome position (GRCh38, 1-based): chr1:150,498,561, T>G. VCF-style: chr1-150498561-T-G. GRCh37 (hg19) VCF-style: chr1-150471037-T-G.
Other names: c.1052T>G, p.Phe351Cys (NM_001271895.2); c.908T>G, p.Phe303Cys (NM_001271896.2); short protein forms F433C, F303C, F351C.
Identifiers: ClinVar variation 1446007 (VCV001446007.6), dbSNP rs147152612, ClinGen allele CA1076971.
Genomic context (GRCh38, chr1:150,498,561, plus strand): 5'-GCCTGATGTTCGCCCACCGGCCCAGATCCTGGCGGGAACTGCCCCTGCGACTAGCTGACT[T>G]TGGGGCTCTACACCGGGCCGAAGCCTCTGGTGGTCTGGGGGGACTGACCCGACTGCGGTG-3'
Protein context (NP_079426.2, residues 423-443): WRELPLRLAD[Phe433Cys]GALHRAEASG

ClinVar aggregate classification (germline): Uncertain significance (1 of 4 stars; one submission).

Allele frequency attached by ClinVar (database versions not stated): TOPMed 0.00003; gnomAD 0.00005 and 0.00006; ExAC 0.00007; gnomAD exomes 0.00007 and 0.00012; ESP Exome Variant Server 0.00008.
gnomAD v4.1: 111 of 1,604,430 alleles (0.0069%); highest among the groups gnomAD compares: Non-Finnish European, 0.0037%; no homozygotes.

Submission:

Labcorp Genetics (formerly Invitae), Labcorp
Classification: Uncertain significance. Last evaluated: 2026-01-14. Review status: criteria provided, single submitter. Criteria: Invitae Variant Classification Sherloc (09022015). Collection method: clinical testing. Allele origin: germline.
Comment: This sequence change replaces phenylalanine, which is neutral and non-polar, with cysteine, which is neutral and slightly polar, at codon 433 of the TARS2 protein (p.Phe433Cys). This variant is present in population databases (rs147152612, gnomAD 0.2%). This missense change has been observed in individual(s) with combined oxidative phosphorylation deficiency (PMID: 38482264). ClinVar contains an entry for this variant (Variation ID: 1446007). Invitae Evidence Modeling of protein sequence and biophysical properties (such as structural, functional, and spatial information, amino acid conservation, physicochemical variation, residue mobility, and thermodynamic stability) has been performed for this missense variant. However, the output from this modeling did not meet the statistical confidence thresholds required to predict the impact of this variant on TARS2 protein function. In summary, the available evidence is currently insufficient to determine the role of this variant in disease. Therefore, it has been classified as a Variant of Uncertain Significance.

Literature cited by the submitters: PubMed 38482264.